The following is an entry in ClinVar:

NM_000330.4(RS1):c.424T>C (p.Cys142Arg)

Genes: CDKL5 (cyclin dependent kinase like 5; plus strand), RS1 (retinoschisin 1; minus strand). Cytogenetic location: Xp22.13.
Variant type: single nucleotide variant.
Coding change: c.424T>C on transcript NM_000330.4 (MANE Select); coding-DNA position 424, T replaced by C.
Protein change: p.Cys142Arg; replaces cysteine 142 with arginine.
Molecular consequence: missense variant. On other transcripts: intron variant (2).
Genome position (GRCh38, 1-based): chrX:18,644,528, A>G on the plus strand (T>C on the coding strand, the complement: RS1 is on the minus strand). VCF-style: chrX-18644528-A-G. GRCh37 (hg19) VCF-style: chrX-18662648-A-G.
Other names: c.2714-1479A>G (NM_003159.3, NM_001037343.2); short protein forms C142R.
Identifiers: ClinVar variation 3249880 (VCV003249880.4).
Genomic context (GRCh38, chrX:18,644,528, plus strand): 5'-TCAGGCGCTCATCGGTCCTGTACTGCACGCTGTACTTGGTCATCCACTCATCGATGTCAC[A>G]GCGCCCCTGGGTGAGGATCCCTGAAATCACTTTGATCTCCTTCAGATCTATCTGTAACCA-3'
Protein context (NP_000321.1, residues 132-152): VISGILTQGR[Cys142Arg]DIDEWMTKYS

ClinVar aggregate classification (germline): Pathogenic/Likely pathogenic. Review status: criteria provided, multiple submitters, no conflicts (2 of 4 stars). 3 submissions from 3 submitters: Pathogenic (2); Likely pathogenic (1). Last evaluated 2024-11-19.

Conditions:
RS1-related disorder. Also called: RS1-related condition.
Retinal dystrophy. Also called: Inherited retinal dystrophy. Identifiers: Orphanet 71862, MedGen C0854723, MeSH D058499, MONDO:0019118, HP:0000556.

Submissions (3):

Labcorp Genetics (formerly Invitae), Labcorp
Classification: Pathogenic. Last evaluated: 2024-11-19. Review status: criteria provided, single submitter. Criteria: Invitae Variant Classification Sherloc (09022015). Collection method: clinical testing. Allele origin: germline.
Comment: This sequence change replaces cysteine, which is neutral and slightly polar, with arginine, which is basic and polar, at codon 142 of the RS1 protein (p.Cys142Arg). This variant is not present in population databases (gnomAD no frequency). This missense change has been observed in individual(s) with and/or X-linked retinoschisis (PMID: 20061330, 34624300, 35456481). Invitae Evidence Modeling of protein sequence and biophysical properties (such as structural, functional, and spatial information, amino acid conservation, physicochemical variation, residue mobility, and thermodynamic stability) has been performed for this missense variant. However, the output from this modeling did not meet the statistical confidence thresholds required to predict the impact of this variant on RS1 protein function. This variant disrupts the p.Cys142 amino acid residue in RS1. Other variant(s) that disrupt this residue have been observed in individuals with RS1-related conditions (PMID: 10533068, 20061330, 32300273), which suggests that this may be a clinically significant amino acid residue. For these reasons, this variant has been classified as Pathogenic.

Institute of Human Genetics, Univ. Regensburg, Univ. Regensburg
Classification: Pathogenic for Retinal dystrophy. Last evaluated: 2022-01-01. Review status: criteria provided, single submitter. Criteria: ACMG Guidelines, 2015. Collection method: clinical testing. Allele origin: germline. Affected: yes.

Blueprint Genetics
Classification: Likely pathogenic for RS1-related disorders. Last evaluated: 2021-12-24. Review status: criteria provided, single submitter. Criteria: ACMG Guidelines, 2015. Collection method: clinical testing. Allele origin: germline. Affected: yes. Observed: 1 variant allele.

Literature cited by the submitters: PubMed 20061330 (cited by Labcorp Genetics (formerly Invitae), Labcorp and Institute of Human Genetics, Univ. Regensburg, Univ. Regensburg); PubMed 34624300 (cited by Labcorp Genetics (formerly Invitae), Labcorp and Institute of Human Genetics, Univ. Regensburg, Univ. Regensburg); PubMed 35456481 (cited by Labcorp Genetics (formerly Invitae), Labcorp and Institute of Human Genetics, Univ. Regensburg, Univ. Regensburg); PubMed 10533068 (cited by Labcorp Genetics (formerly Invitae), Labcorp); PubMed 32300273 (cited by Labcorp Genetics (formerly Invitae), Labcorp).